The following is an entry in ClinVar:

ClinVar aggregate classification (germline): Conflicting classifications of pathogenicity. Review status: criteria provided, conflicting classifications (1 of 4 stars). 3 submissions from 3 submitters: Uncertain significance (1); Likely benign (2). Last evaluated 2025-07-07.

Conditions:
RYR1-related disorder. Also called: RYR1-related disorders; RYR1-related condition. Identifiers: MedGen CN239331.
Malignant hyperthermia, susceptibility to, 1 (MHS1). Also called: RYR1-Related Malignant Hyperthermia Susceptibility; Malignant hyperthermia suceptibility 1; Anesthesia related hyperthermia; Malignant hyperpyrexia; Fulminating hyperpyrexia; Pharmacogenic myopathy. Identifiers: Orphanet 423, MedGen C2930980, MONDO:0007783, OMIM 145600.

Allele frequency attached by ClinVar (database versions not stated): ExAC 0.00001; gnomAD 0.00001; gnomAD exomes 0.00001 and 0.00002; TOPMed 0.00001.
gnomAD v4.1: 11 of 1,614,066 alleles (0.00068%); highest among the groups gnomAD compares: Non-Finnish European, 0.00085%; no homozygotes.

Submissions (3):

Color Diagnostics, LLC DBA Color Health
Classification: Likely benign for Malignant hyperthermia, susceptibility to, 1. Last evaluated: 2025-07-07. Review status: criteria provided, single submitter. Criteria: ACMG Guidelines, 2015. Collection method: clinical testing. Allele origin: germline.

Labcorp Genetics (formerly Invitae), Labcorp
Classification: Likely benign for RYR1-related disorder. Last evaluated: 2024-11-11. Review status: criteria provided, single submitter. Criteria: Invitae Variant Classification Sherloc (09022015). Collection method: clinical testing. Allele origin: germline.

All of Us Research Program, National Institutes of Health
Classification: Uncertain significance for Malignant hyperthermia, susceptibility to, 1. Last evaluated: 2023-08-15. Review status: criteria provided, single submitter. Criteria: ACMG Guidelines, 2015. Collection method: clinical testing. Allele origin: germline. Inheritance: Autosomal dominant inheritance. Observed: 3 variant alleles, 3 heterozygotes.
Comment: This variant is located in the RYR1 protein. To our knowledge, functional studies have not been reported for this variant. This variant has not been reported in individuals affected with RYR1-related disorders in the literature. This variant has been identified in 4/282874 chromosomes in the general population by the Genome Aggregation Database (gnomAD). The available evidence is insufficient to determine the role of this variant in disease conclusively. Therefore, this variant is classified as a Variant of Uncertain Significance.

This study involves interpretation of variants in research participants for the purpose of population health screening. Participant phenotype was not available at the time of variant classification. Additional details can be found in publication PMID: 35346344, PMCID: PMC8962531

NM_000540.3(RYR1):c.12228C>T (p.Phe4076=)

Gene: RYR1 (ryanodine receptor 1; plus strand). Cytogenetic location: 19q13.2.
Variant type: single nucleotide variant.
Coding change: c.12228C>T on transcript NM_000540.3 (MANE Select); coding-DNA position 12228, C replaced by T.
Protein change: p.Phe4076=; no amino-acid change (phenylalanine 4076 retained).
Molecular consequence: synonymous variant.
Genome position (GRCh38, 1-based): chr19:38,548,366, C>T. VCF-style: chr19-38548366-C-T. GRCh37 (hg19) VCF-style: chr19-39039006-C-T.
Other names: c.12213C>T, p.Phe4071= (NM_001042723.2).
Identifiers: ClinVar variation 1097713 (VCV001097713.10), dbSNP rs757332415, ClinGen allele CA058487.
Genomic context (GRCh38, chr19:38,548,366, plus strand): 5'-GATCCTCAAGTTCTTCGACATGTTCCTGAAACTCAAGGACATTGTGGGCTCTGAAGCCTT[C>T]CAGGACTACGTAACGGATCCCCGTGGCCTCATCTCCAAGAAGGACTTCCAGAAGGTGGGT-3'
Protein context (NP_000531.2, residues 4066-4086): KLKDIVGSEA[Phe4076=]QDYVTDPRGL